The following is an entry in ClinVar:

NM_001035.3(RYR2):c.9067+277G>A

Gene: RYR2 (ryanodine receptor 2; plus strand). Cytogenetic location: 1q43.
Variant type: single nucleotide variant.
Coding change: c.9067+277G>A on transcript NM_001035.3 (MANE Select); 277 bases into the intron after coding-DNA position 9067, G replaced by A.
Molecular consequence: intron variant.
Genome position (GRCh38, 1-based): chr1:237,687,781, G>A. VCF-style: chr1-237687781-G-A. GRCh37 (hg19) VCF-style: chr1-237851081-G-A.
Identifiers: ClinVar variation 673339 (VCV000673339.1), dbSNP rs114312482, ClinGen allele CA39828123.
Genomic context (GRCh38, chr1:237,687,781, plus strand): 5'-TAACTGAAAGTAAAAAGACTATTATTAAAGAGCAAATGAATGAAAATGGCAGGCTGTGCC[G>A]TATTTTATCTCAGGGGTAAAAACAAAACAAAGCCAGGCCCTTGGATTTGTGTTTGGTTAC-3'

ClinVar aggregate classification (germline): Likely benign (1 of 4 stars; one submission).

Allele frequency attached by ClinVar (database versions not stated): 1000 Genomes Project 0.00859; 1000 Genomes Project 30x 0.00953; gnomAD 0.01093; TOPMed 0.01146.
gnomAD v4.1: 1,605 of 152,272 alleles (1.1%); highest among the groups gnomAD compares: African/African-American, 3.6%; 32 homozygotes.

Submission:

GeneDx
Classification: Likely benign. Last evaluated: 2018-06-15. Review status: criteria provided, single submitter. Criteria: GeneDx Variant Classification (06012015). Collection method: clinical testing. Allele origin: germline. Affected: yes.
Comment: This variant is considered likely benign or benign based on one or more of the following criteria: it is a conservative change, it occurs at a poorly conserved position in the protein, it is predicted to be benign by multiple in silico algorithms, and/or has population frequency not consistent with disease.